The following is an entry in ClinVar:

NM_153240.5(NPHP3):c.189G>C (p.Gly63=)

Genes: NPHP3 (nephrocystin 3; minus strand), NPHP3-ACAD11 (NPHP3-ACAD11 readthrough (NMD candidate); minus strand), NPHP3-AS1 (NPHP3 antisense RNA 1; plus strand), LOC129937586 (ATAC-STARR-seq lymphoblastoid silent region 14743; plus strand). Cytogenetic location: 3q22.1.
Variant type: single nucleotide variant.
Coding change: c.189G>C on transcript NM_153240.5 (MANE Select); coding-DNA position 189, G replaced by C.
Protein change: p.Gly63=; no amino-acid change (glycine 63 retained).
Molecular consequence: synonymous variant. On other transcripts: non-coding transcript variant (3).
Genome position (GRCh38, 1-based): chr3:132,722,167, C>G on the plus strand (G>C on the coding strand, the complement: NPHP3 is on the minus strand). VCF-style: chr3-132722167-C-G. GRCh37 (hg19) VCF-style: chr3-132441011-C-G.
Identifiers: ClinVar variation 262694 (VCV000262694.37), dbSNP rs750280281, ClinGen allele CA2622688.

ClinVar aggregate classification (germline): Conflicting classifications of pathogenicity. Review status: criteria provided, conflicting classifications (1 of 4 stars). 9 submissions from 7 submitters: Uncertain significance (4); Likely benign (5). Last evaluated 2026-01-14.

Conditions:
Nephronophthisis. Also called: Juvenile Nephronophthisis. Identifiers: Orphanet 655, MedGen C0687120, MONDO:0019005, HP:0000090.
Nephronophthisis 3 (NPHP3). Also called: Adolescent nephronophthisis. Identifiers: Orphanet 655, MedGen C1858392, MONDO:0011456, OMIM 604387.
NPHP3-related Meckel-like syndrome. Also called: GOLDSTON SYNDROME; Meckel syndrome type 7. Identifiers: Orphanet 3032, MedGen C2673885, MONDO:0009966, OMIM 267010.
Renal-hepatic-pancreatic dysplasia 1 (RHPD1). Identifiers: MedGen C3715199, MONDO:0008833, OMIM 208540.

Allele frequency attached by ClinVar (database versions not stated): gnomAD 0.00003; TOPMed 0.00003.
gnomAD v4.1: 60 of 1,571,930 alleles (0.0038%); highest among the groups gnomAD compares: Middle Eastern, 0.28%; no homozygotes.

Submissions (9):

Labcorp Genetics (formerly Invitae), Labcorp
Classification: Likely benign for Nephronophthisis. Last evaluated: 2026-01-14. Review status: criteria provided, single submitter. Criteria: Invitae Variant Classification Sherloc (09022015). Collection method: clinical testing. Allele origin: germline.

CeGaT Center for Human Genetics Tuebingen
Classification: Likely benign. Last evaluated: 2025-02-01. Review status: criteria provided, single submitter. Criteria: CeGaT Center For Human Genetics Tuebingen Variant Classification Criteria Version 2. Collection method: clinical testing. Allele origin: germline. Affected: yes. Observed: 1 variant allele.
Comment: NPHP3: BP4, BP7

Blueprint Genetics
Classification: Likely benign. Last evaluated: 2024-09-26. Review status: criteria provided, single submitter. Criteria: ACMG Guidelines, 2015. Collection method: clinical testing. Allele origin: germline.

GeneDx
Classification: Likely benign. Last evaluated: 2021-05-05. Review status: criteria provided, single submitter. Criteria: GeneDx Variant Classification Process June 2021. Collection method: clinical testing. Allele origin: germline. Affected: yes.

Eurofins Ntd Llc (ga)
Classification: Uncertain significance. Last evaluated: 2018-08-13. Review status: criteria provided, single submitter. Criteria: EGL ClinVar v180209 classification definitions. Collection method: clinical testing. Allele origin: germline. Observed: 3 variant alleles, 3 heterozygotes.

Illumina Laboratory Services, Illumina
Classification: Uncertain significance for Nephronophthisis 3. Last evaluated: 2018-01-13. Review status: criteria provided, single submitter. Criteria: ICSL Variant Classification Criteria 13 December 2019. Collection method: clinical testing. Allele origin: germline.

Illumina Laboratory Services, Illumina
Classification: Uncertain significance for NPHP3-related Meckel-like syndrome. Last evaluated: 2018-01-13. Review status: criteria provided, single submitter. Criteria: ICSL Variant Classification Criteria 13 December 2019. Collection method: clinical testing. Allele origin: germline.

Illumina Laboratory Services, Illumina
Classification: Uncertain significance for Renal-hepatic-pancreatic dysplasia 1. Last evaluated: 2018-01-13. Review status: criteria provided, single submitter. Criteria: ICSL Variant Classification Criteria 13 December 2019. Collection method: clinical testing. Allele origin: germline.

PreventionGenetics, part of Exact Sciences
Classification: Likely benign. Review status: criteria provided, single submitter. Criteria: ACMG Guidelines, 2015. Collection method: clinical testing. Allele origin: germline.